The following is an entry in ClinVar:

NM_002439.5(MSH3):c.2464T>A (p.Cys822Ser)

Gene: MSH3 (mutS homolog 3; plus strand). Cytogenetic location: 5q14.1.
Variant type: single nucleotide variant.
Coding change: c.2464T>A on transcript NM_002439.5 (MANE Select); coding-DNA position 2464, T replaced by A.
Protein change: p.Cys822Ser; replaces cysteine 822 with serine.
Molecular consequence: missense variant.
Genome position (GRCh38, 1-based): chr5:80,787,593, T>A. VCF-style: chr5-80787593-T-A. GRCh37 (hg19) VCF-style: chr5-80083412-T-A.
Other names: c.2464T>A (NM_002439.3); short protein forms C822S.
Identifiers: ClinVar variation 1010379 (VCV001010379.10), dbSNP rs1744531800, ClinGen allele CA360283077.
Genomic context (GRCh38, chr5:80,787,593, plus strand): 5'-TCACCTTTTTGTTGTTGCTGCTGCTTCCGTAGGAAATTCAGTGAACATTATCACTCCTTG[T>A]GTAAAGCAGTGCATCACCTAGCAACTGTTGACTGCATTTTCTCCCTGGCCAAGGTCGCTA-3'
Protein context (NP_002430.3, residues 812-832): EKFSEHYHSL[Cys822Ser]KAVHHLATVD

ClinVar aggregate classification (germline): Uncertain significance. Review status: criteria provided, multiple submitters, no conflicts (2 of 4 stars). 2 submissions from 2 submitters: Uncertain significance (2). Last evaluated 2023-07-29.

Conditions:
Hereditary cancer-predisposing syndrome. Also called: Tumor predisposition; Hereditary neoplastic syndrome; Neoplastic Syndromes, Hereditary; Hereditary Cancer Syndrome. Identifiers: Orphanet 140162, MedGen C0027672, MeSH D009386, MONDO:0015356.

Allele frequency attached by ClinVar (database versions not stated): gnomAD exomes below 0.00001.
gnomAD v4.1: 1 of 1,613,720 alleles (0.000062%); highest among the groups gnomAD compares: Non-Finnish European, 0.000085%; no homozygotes.

Submissions (2):

Ambry Genetics
Classification: Uncertain significance for Hereditary cancer-predisposing syndrome. Last evaluated: 2023-07-29. Review status: criteria provided, single submitter. Criteria: Ambry Variant Classification Scheme 2023. Collection method: clinical testing. Allele origin: germline.
Comment: The p.C822S variant (also known as c.2464T>A), located in coding exon 18 of the MSH3 gene, results from a T to A substitution at nucleotide position 2464. The cysteine at codon 822 is replaced by serine, an amino acid with dissimilar properties. This amino acid position is conserved. In addition, this alteration is predicted to be tolerated by in silico analysis. Since supporting evidence is limited at this time, the clinical significance of this alteration remains unclear.

Labcorp Genetics (formerly Invitae), Labcorp
Classification: Uncertain significance. Last evaluated: 2022-11-22. Review status: criteria provided, single submitter. Criteria: Invitae Variant Classification Sherloc (09022015). Collection method: clinical testing. Allele origin: germline.
Comment: In summary, the available evidence is currently insufficient to determine the role of this variant in disease. Therefore, it has been classified as a Variant of Uncertain Significance. Algorithms developed to predict the effect of missense changes on protein structure and function (SIFT, PolyPhen-2, Align-GVGD) all suggest that this variant is likely to be tolerated. ClinVar contains an entry for this variant (Variation ID: 1010379). This variant has not been reported in the literature in individuals affected with MSH3-related conditions. This variant is not present in population databases (gnomAD no frequency). This sequence change replaces cysteine, which is neutral and slightly polar, with serine, which is neutral and polar, at codon 822 of the MSH3 protein (p.Cys822Ser).